The following is an entry in ClinVar:

NM_000257.4(MYH7):c.1214_1215insCA (p.Lys405fs)

Gene: MYH7 (myosin heavy chain 7; minus strand). Cytogenetic location: 14q11.2.
Variant type: Insertion.
Coding change: c.1214_1215insCA on transcript NM_000257.4 (MANE Select); coding-DNA positions 1214 to 1215, CA inserted.
Protein change: p.Lys405fs; shifts the reading frame from lysine 405.
Molecular consequence: frameshift variant.
Genome position: GRCh38 VCF-style: chr14-23429271-T-TTG. GRCh37 (hg19) VCF-style: chr14-23898480-T-TTG.
Other names: c.1214_1215insCA, p.Lys405fs (NM_001407004.1); short protein forms K405fs.
Identifiers: ClinVar variation 4751054 (VCV004751054.1).

ClinVar aggregate classification (germline): Uncertain significance (1 of 4 stars; one submission).

Conditions:
Hypertrophic cardiomyopathy. Also called: HYPERTROPHIC MYOCARDIOPATHY. Identifiers: Orphanet 217569, MedGen C0007194, MeSH D002312, MONDO:0005045, HP:0001639.

Submission:

Labcorp Genetics (formerly Invitae), Labcorp
Classification: Uncertain significance for Hypertrophic cardiomyopathy. Last evaluated: 2026-01-07. Review status: criteria provided, single submitter. Criteria: Invitae Variant Classification Sherloc (09022015). Collection method: clinical testing. Allele origin: germline.
Comment: This sequence change creates a premature translational stop signal (p.Lys405Asnfs*17) in the MYH7 gene. It is expected to result in an absent or disrupted protein product. However, the current clinical and genetic evidence is not sufficient to establish whether loss-of-function variants in MYH7 cause disease. This variant is not present in population databases (gnomAD no frequency). This variant has not been reported in the literature in individuals affected with MYH7-related conditions. In summary, the available evidence is currently insufficient to determine the role of this variant in disease. Therefore, it has been classified as a Variant of Uncertain Significance.